The following is an entry in ClinVar:

ClinVar aggregate classification (germline): Likely benign. Review status: criteria provided, multiple submitters, no conflicts (2 of 4 stars). 4 submissions from 4 submitters: Likely benign (4). Last evaluated 2026-08-01.

Allele frequency attached by ClinVar (database versions not stated): gnomAD exomes 0.00015 and 0.00041; ExAC 0.00047; ESP Exome Variant Server 0.00116; gnomAD 0.00161 and 0.00178; TOPMed 0.00171; 1000 Genomes Project 0.00200; 1000 Genomes Project 30x 0.00234.
gnomAD v4.1: 466 of 1,613,996 alleles (0.029%); highest among the groups gnomAD compares: African/African-American, 0.55%; no homozygotes.

Submissions (4):

CeGaT Center for Human Genetics Tuebingen
Classification: Likely benign. Last evaluated: 2026-08-01. Review status: criteria provided, single submitter. Criteria: CeGaT Center For Human Genetics Tuebingen Variant Classification Criteria Version 2. Collection method: clinical testing. Allele origin: germline. Affected: yes. Observed: 2 variant alleles.
Comment: ZNF407: BP4, BP7

Blueprint Genetics
Classification: Likely benign. Last evaluated: 2024-10-22. Review status: criteria provided, single submitter. Criteria: ACMG Guidelines, 2015. Collection method: clinical testing. Allele origin: germline.

Genetic Services Laboratory, University of Chicago
Classification: Likely benign. Last evaluated: 2017-03-17. Review status: criteria provided, single submitter. Criteria: ACMG Guidelines, 2015. Collection method: clinical testing. Allele origin: germline. Affected: no.

Breakthrough Genomics
Classification: Likely benign. Review status: criteria provided, single submitter. Criteria: ACMG Guidelines, 2015. Collection method: not provided. Allele origin: germline. Inheritance: Autosomal recessive inheritance. Affected: yes.

NM_017757.3(ZNF407):c.3285T>C (p.Ile1095=)

Genes: ZNF407 (zinc finger protein 407; plus strand), LOC126862798 (MED14-independent group 3 enhancer GRCh37_chr18:72345358-72346557; plus strand). Cytogenetic location: 18q22.3.
Variant type: single nucleotide variant.
Coding change: c.3285T>C on transcript NM_017757.3 (MANE Select); coding-DNA position 3285, T replaced by C.
Protein change: p.Ile1095=; no amino-acid change (isoleucine 1095 retained).
Molecular consequence: synonymous variant.
Genome position (GRCh38, 1-based): chr18:74,634,304, T>C. VCF-style: chr18-74634304-T-C. GRCh37 (hg19) VCF-style: chr18-72346260-T-C.
Other names: c.3285T>C, p.Ile1095= (NM_001146189.1, NM_001146190.1, NM_001384475.1).
Identifiers: ClinVar variation 437363 (VCV000437363.15), dbSNP rs148940330, ClinGen allele CA9000657.